The following is an entry in ClinVar:

NM_021969.3(NR0B2):c.637C>T (p.Arg213Cys)

Genes: NR0B2 (nuclear receptor subfamily 0 group B member 2; minus strand), NUDC (nuclear distribution C, dynein complex regulator; plus strand). Cytogenetic location: 1p36.11.
Variant type: single nucleotide variant.
Coding change: c.637C>T on transcript NM_021969.3 (MANE Select); coding-DNA position 637, C replaced by T.
Protein change: p.Arg213Cys; replaces arginine 213 with cysteine.
Molecular consequence: missense variant.
Genome position (GRCh38, 1-based): chr1:26,911,982, G>A on the plus strand (C>T on the coding strand, the complement: NR0B2 is on the minus strand). VCF-style: chr1-26911982-G-A. GRCh37 (hg19) VCF-style: chr1-27238473-G-A.
Other names: c.637C>T (NM_021969.2); short protein forms R213C.
Identifiers: ClinVar variation 2502159 (VCV002502159.2), dbSNP rs199976415, ClinGen allele CA709565.

ClinVar aggregate classification (germline): Uncertain significance. Review status: criteria provided, single submitter (1 of 4 stars). 2 submissions from 2 submitters: Uncertain significance (1). 1 of the submissions does not count toward it. Last evaluated 2022-05-17.

Conditions:
NR0B2-related disorder. Also called: NR0B2-related condition.
Inherited obesity. Also called: Monogenic Obesity. Identifiers: Orphanet 77828, MedGen C4054476, MONDO:0019182, OMIM 601665.

Allele frequency attached by ClinVar (database versions not stated): gnomAD exomes 0.00002; gnomAD 0.00003; TOPMed 0.00003; ExAC 0.00008; 1000 Genomes Project 30x 0.00016; 1000 Genomes Project 0.00020.
gnomAD v4.1: 39 of 1,614,220 alleles (0.0024%); highest among the groups gnomAD compares: East Asian, 0.045%; no homozygotes.

Submissions (2):

New York Genome Center
Classification: Uncertain significance for Inherited obesity. Last evaluated: 2022-05-17. Review status: criteria provided, single submitter. Criteria: NYGC Assertion Criteria 2020. Collection method: clinical testing. Allele origin: germline. Observed: 1 heterozygote.

PreventionGenetics, part of Exact Sciences
Classification: Uncertain significance for NR0B2-related condition. Last evaluated: 2024-08-19. Review status: no assertion criteria provided. Collection method: clinical testing. Allele origin: germline. Not counted in ClinVar's aggregate classification.
Comment: The NR0B2 c.637C>T variant is predicted to result in the amino acid substitution p.Arg213Cys. This variant was reported in an individual with mild obesity (Nishigori et al. 2001. PubMed ID: 11136233) and in vitro functional studies show this variant impacts protein function (Nishigori et al. 2001. PubMed ID: 11136233; Boulias et al. 2004. PubMed ID: 15550569). This variant is reported in 0.055% of alleles in individuals of East Asian descent in gnomAD. Although we suspect that this variant may be pathogenic, at this time, the clinical significance of this variant is uncertain due to the absence of conclusive functional and genetic evidence.